The following is an entry in ClinVar:

NM_000179.3(MSH6):c.2923A>C (p.Asn975His)

Gene: MSH6 (mutS homolog 6; plus strand). Cytogenetic location: 2p16.3.
Variant type: single nucleotide variant.
Coding change: c.2923A>C on transcript NM_000179.3 (MANE Select); coding-DNA position 2923, A replaced by C.
Protein change: p.Asn975His; replaces asparagine 975 with histidine.
Molecular consequence: missense variant.
Genome position (GRCh38, 1-based): chr2:47,800,906, A>C. VCF-style: chr2-47800906-A-C. GRCh37 (hg19) VCF-style: chr2-48028045-A-C.
Other names: c.2533A>C, p.Asn845His (NM_001281492.2); c.2017A>C, p.Asn673His (NM_001281493.2, NM_001281494.2); short protein forms N975H, N673H, N845H.
Identifiers: ClinVar variation 483869 (VCV000483869.14), dbSNP rs1553414294, ClinGen allele CA346756184.

ClinVar aggregate classification (germline): Uncertain significance. Review status: criteria provided, multiple submitters, no conflicts (2 of 4 stars). 2 submissions from 2 submitters: Uncertain significance (2). Last evaluated 2025-08-10.

Conditions:
Hereditary cancer-predisposing syndrome. Also called: Neoplastic Syndromes, Hereditary; Tumor predisposition; Hereditary Cancer Syndrome; Hereditary neoplastic syndrome. Identifiers: Orphanet 140162, MedGen C0027672, MeSH D009386, MONDO:0015356.
Hereditary nonpolyposis colorectal neoplasms. Identifiers: MedGen C0009405, MeSH D003123.

Submissions (2):

Labcorp Genetics (formerly Invitae), Labcorp
Classification: Uncertain significance for Hereditary nonpolyposis colorectal neoplasms. Last evaluated: 2025-08-10. Review status: criteria provided, single submitter. Criteria: Invitae Variant Classification Sherloc (09022015). Collection method: clinical testing. Allele origin: germline.
Comment: This sequence change replaces asparagine, which is neutral and polar, with histidine, which is basic and polar, at codon 975 of the MSH6 protein (p.Asn975His). This variant is not present in population databases (gnomAD no frequency). This variant has not been reported in the literature in individuals affected with MSH6-related conditions. ClinVar contains an entry for this variant (Variation ID: 483869). Invitae Evidence Modeling of protein sequence and biophysical properties (such as structural, functional, and spatial information, amino acid conservation, physicochemical variation, residue mobility, and thermodynamic stability) indicates that this missense variant is not expected to disrupt MSH6 protein function with a negative predictive value of 95%. In summary, the available evidence is currently insufficient to determine the role of this variant in disease. Therefore, it has been classified as a Variant of Uncertain Significance.

Ambry Genetics
Classification: Uncertain significance for Hereditary cancer-predisposing syndrome. Last evaluated: 2023-05-18. Review status: criteria provided, single submitter. Criteria: Ambry Variant Classification Scheme 2023. Collection method: clinical testing. Allele origin: germline.
Comment: The p.N975H variant (also known as c.2923A>C), located in coding exon 4 of the MSH6 gene, results from an A to C substitution at nucleotide position 2923. The asparagine at codon 975 is replaced by histidine, an amino acid with similar properties. This amino acid position is highly conserved in available vertebrate species. In addition, the in silico prediction for this alteration is inconclusive. Since supporting evidence is limited at this time, the clinical significance of this alteration remains unclear.